The following is an entry in ClinVar:

ClinVar aggregate classification (germline): Uncertain significance (1 of 4 stars; one submission).

Conditions:
Thrombophilia due to protein C deficiency, autosomal dominant. Also called: PROC DEFICIENCY, AUTOSOMAL DOMINANT; PROTEIN C DEFICIENCY, AUTOSOMAL DOMINANT. Identifiers: Orphanet 745, MedGen C2674321, MONDO:0008316, OMIM 176860. Disease mechanism: loss of function.

Submission:

Labcorp Genetics (formerly Invitae), Labcorp
Classification: Uncertain significance for Thrombophilia due to protein C deficiency, autosomal dominant. Last evaluated: 2023-12-02. Review status: criteria provided, single submitter. Criteria: Invitae Variant Classification Sherloc (09022015). Collection method: clinical testing. Allele origin: germline.
Comment: This sequence change replaces lysine, which is basic and polar, with glutamic acid, which is acidic and polar, at codon 70 of the PROC protein (p.Lys70Glu). This variant is not present in population databases (gnomAD no frequency). This missense change has been observed in individual(s) with clinical features of PROC-related conditions (PMID: 22545135). An algorithm developed to predict the effect of missense changes on protein structure and function (PolyPhen-2) suggests that this variant¬¨‚Ä†is likely to be tolerated. In summary, the available evidence is currently insufficient to determine the role of this variant in disease. Therefore, it has been classified as a Variant of Uncertain Significance.

Literature cited by the submitters: PubMed 22545135.

NM_000312.4(PROC):c.208A>G (p.Lys70Glu)

Gene: PROC (protein C, inactivator of coagulation factors Va and VIIIa; plus strand). Cytogenetic location: 2q14.3.
Variant type: single nucleotide variant.
Coding change: c.208A>G on transcript NM_000312.4 (MANE Select); coding-DNA position 208, A replaced by G.
Protein change: p.Lys70Glu; replaces lysine 70 with glutamic acid.
Molecular consequence: missense variant.
Genome position (GRCh38, 1-based): chr2:127,421,420, A>G. VCF-style: chr2-127421420-A-G. GRCh37 (hg19) VCF-style: chr2-128178996-A-G.
Other names: c.391A>G, p.Lys131Glu (NM_001375602.1); c.271A>G, p.Lys91Glu (NM_001375603.1, NM_001375604.1, NM_001375606.1); c.208A>G, p.Lys70Glu (NM_001375605.1, NM_001375608.1, NM_001375611.1 and 1 more transcripts); c.292A>G, p.Lys98Glu (NM_001375607.1); c.184A>G, p.Lys62Glu (NM_001375609.1); c.202A>G, p.Lys68Glu (NM_001375610.1); short protein forms K70E, K91E, K98E, K131E, K62E, K68E.
Identifiers: ClinVar variation 2734264 (VCV002734264.2), dbSNP rs199469481, ClinGen allele CA55343075.